The following is an entry in ClinVar:

NM_004544.4(NDUFA10):c.244+167G>A

Gene: NDUFA10 (NADH:ubiquinone oxidoreductase subunit A10; minus strand). Cytogenetic location: 2q37.3.
Variant type: single nucleotide variant.
Coding change: c.244+167G>A on transcript NM_004544.4 (MANE Select); 167 bases into the intron after coding-DNA position 244, G replaced by A.
Molecular consequence: intron variant.
Genome position (GRCh38, 1-based): chr2:240,022,005, C>T on the plus strand (G>A on the coding strand, the complement: NDUFA10 is on the minus strand). VCF-style: chr2-240022005-C-T. GRCh37 (hg19) VCF-style: chr2-240961422-C-T.
Other names: c.244+167G>A (NM_001322020.2, NM_001322019.2).
Identifiers: ClinVar variation 671403 (VCV000671403.1), dbSNP rs1811426, ClinGen allele CA15194766.

ClinVar aggregate classification (germline): Benign (1 of 4 stars; one submission).

Allele frequency attached by ClinVar (database versions not stated): gnomAD 0.12549 and 0.12746; TOPMed 0.12905; 1000 Genomes Project 30x 0.13882; 1000 Genomes Project 0.14038.
gnomAD v4.1: 19,338 of 152,090 alleles (13%); highest among the groups gnomAD compares: East Asian, 19%; 1,256 homozygotes.

Submission:

GeneDx
Classification: Benign. Last evaluated: 2018-06-14. Review status: criteria provided, single submitter. Criteria: GeneDx Variant Classification (06012015). Collection method: clinical testing. Allele origin: germline. Affected: yes.
Comment: This variant is considered likely benign or benign based on one or more of the following criteria: it is a conservative change, it occurs at a poorly conserved position in the protein, it is predicted to be benign by multiple in silico algorithms, and/or has population frequency not consistent with disease.